The following is an entry in ClinVar:

NM_000169.3(GLA):c.982G>A (p.Gly328Arg)

Genes: GLA (galactosidase alpha; minus strand), RPL36A-HNRNPH2 (RPL36A-HNRNPH2 readthrough; plus strand). Cytogenetic location: Xq22.1.
Variant type: single nucleotide variant.
Coding change: c.982G>A on transcript NM_000169.3 (MANE Select); coding-DNA position 982, G replaced by A.
Protein change: p.Gly328Arg; replaces glycine 328 with arginine.
Molecular consequence: missense variant. On other transcripts: non-coding transcript variant (3), intron variant (2).
Genome position (GRCh38, 1-based): chrX:101,398,387, C>T on the plus strand (G>A on the coding strand, the complement: GLA is on the minus strand). VCF-style: chrX-101398387-C-T. GRCh37 (hg19) VCF-style: chrX-100653375-C-T.
Other names: c.1105G>A, p.Gly369Arg (NM_001406747.1); c.982G>A, p.Gly328Arg (NM_001406748.1); c.300+2930C>T (NM_001199973.2); c.177+6565C>T (NM_001199974.2); short protein forms G328R, G369R.
Identifiers: ClinVar variation 10722 (VCV000010722.10), dbSNP rs104894832, ClinGen allele CA022255.
Genomic context (GRCh38, chrX:101,398,387, plus strand): 5'-ATTGGGTATATAAAGCCATCTTAAAATATATACTCTTATTTACCTGTCTAAGCTGGTACC[C>T]TTGCTTGCCCAAGGGGTCCTGATTGATGGCAATTACGTCCTTATCCTGAAGGAGAGCTTT-3'
Protein context (NP_000160.1, residues 318-338): AINQDPLGKQ[Gly328Arg]YQLRQGDNFE

ClinVar aggregate classification (germline): Pathogenic. Review status: criteria provided, multiple submitters, no conflicts (2 of 4 stars). 4 submissions from 4 submitters: Pathogenic (3). 1 of the submissions does not count toward it. Last evaluated 2026-09-08.

Conditions:
Fabry disease. Also called: Ceramide trihexosidosis; Fabry's disease; CERAMIDE TRIHEXOSIDASE DEFICIENCY; GLA DEFICIENCY; HEREDITARY DYSTOPIC LIPIDOSIS; ALPHA-GALACTOSIDASE A DEFICIENCY. Identifiers: Orphanet 324, MedGen C0002986, MONDO:0010526, OMIM 301500, HP:0001071. Disease mechanism: Fabry disease is due to inactivating mutations in the X-linked GLA gene resulting in deficiency of the enzyme Alpha Galactosidase-A., loss of function.

Submissions (4):

Genomenon, Inc
Classification: Pathogenic for Fabry disease. Last evaluated: 2026-09-08. Review status: criteria provided, single submitter. Criteria: Genomenon Sequence Variant Interpretation Standards - Updated. Collection method: curation. Allele origin: germline. Affected: yes.
Comment: GLA p.Gly328Arg (c.982G>A) is a missense variant that changes the amino acid at codon 328 from Glycine to Arginine. This variant has been observed in at least one proband with clinical features consistent with Fabry disease (PMID:9105656;1315715;18205205;12428061;29305833;36123934;39669636). At least one functional study has demonstrated a substantial alteration in protein function relative to the wild-type (PMID:18205205;27657681). Another cDNA change that causes the same protein consequence has been determined to be pathogenic or likely pathogenic. It is absent or not present at a significant frequency in gnomAD. In silico models predict that this variant is possibly or probably damaging. In conclusion, we classify GLA p.Gly328Arg (c.982G>A) as a pathogenic variant.

Natera, Inc.
Classification: Pathogenic for Fabry disease. Last evaluated: 2025-06-24. Review status: criteria provided, single submitter. Criteria: Natera Variant Classification Schema (03/2026). Collection method: clinical testing. Allele origin: germline.
Comment: The c.982G>A variant in GLA is a missense variant predicted to cause substitution of glycine to arginine at amino acid 328. This variant is rare in the general population with a frequency below the threshold expected for the associated phenotype(s). This variant has been observed in affected individual(s) with monoallelic occurrence (heterozygous/hemizygous) (PMID: 1315715, 12668521, 12428061). Functional studies show that this variant may disrupt protein function (PMID: 1315715, 18205205). A different variant at the same position has been determined to be Pathogenic or Likely Pathogenic. Computational prediction algorithms indicate this variant is likely to affect gene or protein function. Given the available evidence, this variant is classified as Pathogenic.

Eurofins Ntd Llc (ga)
Classification: Pathogenic. Last evaluated: 2017-04-10. Review status: criteria provided, single submitter. Criteria: EGL Classification Definitions 2015. Collection method: clinical testing. Allele origin: germline. Observed: 1 variant allele, 1 hemizygote.

OMIM
Classification: Pathogenic for FABRY DISEASE. Last evaluated: 1992-04-01. Review status: no assertion criteria provided. Collection method: literature only. Allele origin: germline. Not counted in ClinVar's aggregate classification.

Literature cited by the submitters: PubMed 9105656 (cited by Genomenon, Inc); PubMed 1315715 (cited by 3 submitters); PubMed 18205205 (cited by Genomenon, Inc and Natera, Inc.); PubMed 12428061 (cited by Genomenon, Inc and Natera, Inc.); PubMed 29305833 (cited by Genomenon, Inc); PubMed 36123934 (cited by Genomenon, Inc); PubMed 39669636 (cited by Genomenon, Inc); PubMed 27657681 (cited by Genomenon, Inc); PubMed 12668521 (cited by Natera, Inc.).